The following is an entry in ClinVar:

NM_000059.4(BRCA2):c.6574del (p.Met2192fs)

Gene: BRCA2 (BRCA2 DNA repair associated; plus strand). Cytogenetic location: 13q13.1.
Variant type: Deletion.
Coding change: c.6574del on transcript NM_000059.4 (MANE Select); coding-DNA position 6574, one base deleted (A; older notation c.6574delA).
Protein change: p.Met2192fs; shifts the reading frame from methionine 2192.
Molecular consequence: frameshift variant.
Genome position (GRCh38, 1-based): chr13:32,340,929, A deleted; the last of 5 consecutive A bases (chr13:32,340,925-32,340,929); deleting any one gives the same sequence. VCF-style (leftmost placement, unchanged base first): chr13-32340924-TA-T. GRCh37 (hg19) VCF-style: chr13-32915061-TA-T.
Other names: c.6574delA (NM_000059.3); short protein forms M2192fs.
Identifiers: ClinVar variation 409434 (VCV000409434.17), dbSNP rs1060502392, ClinGen allele CA16614340.
Genomic context (GRCh38, chr13:32,340,924, plus strand): 5'-AAGTGTCACTTGTTGAGAACATTCATGTTTTGGGAAAAGAACAGGCTTCACCTAAAAACG[TA>T]AAAATGGAAATTGGTAAAACTGAAACTTTTTCTGATGTTCCTGTGAAAACAAATATAGAA-3'

ClinVar aggregate classification (germline): Pathogenic. Review status: reviewed by expert panel (3 of 4 stars). 5 submissions from 5 submitters: Pathogenic (1). 4 of the submissions do not count toward it. Last evaluated 2017-12-15.

Conditions:
Hereditary cancer-predisposing syndrome. Also called: Hereditary neoplastic syndrome; Neoplastic Syndromes, Hereditary; Tumor predisposition; Hereditary Cancer Syndrome. Identifiers: Orphanet 140162, MedGen C0027672, MeSH D009386, MONDO:0015356.
Hereditary breast ovarian cancer syndrome. Also called: Hereditary breast and ovarian cancer syndrome; Hereditary breast and/or ovarian cancer syndrome; BRCA1- and BRCA2-Associated Hereditary Breast and Ovarian Cancer; Hereditary breast and ovarian cancer syndrome (HBOC); Hereditary breast and ovarian cancer; Breast and ovarian cancer. Identifiers: Orphanet 145, MedGen C0677776, MeSH D061325, MONDO:0003582. Disease mechanism: loss of function.
Breast-ovarian cancer, familial, susceptibility to, 2 (BROVCA2). Also called: BRCA2 Hereditary Breast and Ovarian Cancer. Identifiers: Orphanet 145, MedGen C2675520, MONDO:0012933, OMIM 612555. Disease mechanism: loss of function.

Submissions (5):

Evidence-based Network for the Interpretation of Germline Mutant Alleles (ENIGMA)
Classification: Pathogenic for Breast-ovarian cancer, familial, susceptibility to, 2. Last evaluated: 2017-12-15. Review status: reviewed by expert panel. Criteria: ENIGMA BRCA1/2 Classification Criteria (2017-06-29). Collection method: curation. Allele origin: germline. Study: ENIGMA.
Comment: Variant allele predicted to encode a truncated non-functional protein.

Ambry Genetics
Classification: Pathogenic for Hereditary cancer-predisposing syndrome. Last evaluated: 2022-12-28. Review status: criteria provided, single submitter. Criteria: Ambry Variant Classification Scheme 2023. Collection method: clinical testing. Allele origin: germline. Not counted in ClinVar's aggregate classification.
Comment: The c.6574delA pathogenic mutation, located in coding exon 10 of the BRCA2 gene, results from a deletion of one nucleotide at nucleotide position 6574, causing a translational frameshift with a predicted alternate stop codon (p.M2192Wfs*14). This alteration was identified in an individual with a family history of breast and/or ovarian cancer (Brovkina OI et al. Front Oncol, 2018 Oct;8:421). This variant is considered to be rare based on population cohorts in the Genome Aggregation Database (gnomAD). In addition to the clinical data presented in the literature, this alteration is expected to result in loss of function by premature protein truncation or nonsense-mediated mRNA decay. As such, this alteration is interpreted as a disease-causing mutation.

Color Diagnostics, LLC DBA Color Health
Classification: Pathogenic for Hereditary cancer-predisposing syndrome. Last evaluated: 2020-01-15. Review status: criteria provided, single submitter. Criteria: ACMG Guidelines, 2015. Collection method: clinical testing. Allele origin: germline. Not counted in ClinVar's aggregate classification.
Comment: This variant deletes 1 nucleotide in exon 11 of the BRCA2 gene, creating a frameshift and premature translation stop signal. This variant is expected to result in an absent or non-functional protein product. This variant has not been identified in the general population by the Genome Aggregation Database (gnomAD). Loss of BRCA2 function is a known mechanism of disease. Based on the available evidence, this variant is classified as Pathogenic.

Quest Diagnostics Nichols Institute San Juan Capistrano
Classification: Pathogenic. Last evaluated: 2019-12-04. Review status: criteria provided, single submitter. Criteria: Quest Diagnostics criteria. Collection method: clinical testing. Allele origin: unknown. Not counted in ClinVar's aggregate classification.
Comment: The variant results in a shift of the reading frame, and is therefore predicted to result in the loss of a functional protein. Found in at least one patient with expected phenotype for this gene, and not found in general population data.

Labcorp Genetics (formerly Invitae), Labcorp
Classification: Pathogenic for Hereditary breast ovarian cancer syndrome. Last evaluated: 2016-10-31. Review status: criteria provided, single submitter. Criteria: Invitae Variant Classification Sherloc (09022015). Collection method: clinical testing. Allele origin: germline. Not counted in ClinVar's aggregate classification.
Comment: This sequence change deletes 1 nucleotide from exon 11 of the BRCA2 mRNA (c.6574delA), causing a frameshift at codon 2192. This creates a premature translational stop signal (p.Met2192Trpfs*14) and is expected to result in an absent or disrupted protein product. Loss-of-function variants in BRCA2 are known to be pathogenic. This particular variant has been reported in the literature in an individual affected with ovarian cancer (PMID: 26745875). For these reasons, this variant has been classified as Pathogenic.

Literature cited by the submitters: PubMed 30333958 (cited by Ambry Genetics and Quest Diagnostics Nichols Institute San Juan Capistrano); PubMed 26745875 (cited by Quest Diagnostics Nichols Institute San Juan Capistrano and Labcorp Genetics (formerly Invitae), Labcorp).